The following is an entry in ClinVar:

NM_015178.3(RHOBTB2):c.861C>A (p.Thr287=)

Gene: RHOBTB2 (Rho related BTB domain containing 2; plus strand). Cytogenetic location: 8p21.3.
Variant type: single nucleotide variant.
Coding change: c.861C>A on transcript NM_015178.3 (MANE Select); coding-DNA position 861, C replaced by A.
Protein change: p.Thr287=; no amino-acid change (threonine 287 retained).
Molecular consequence: synonymous variant.
Genome position (GRCh38, 1-based): chr8:23,007,106, C>A. VCF-style: chr8-23007106-C-A. GRCh37 (hg19) VCF-style: chr8-22864619-C-A.
Other names: c.927C>A, p.Thr309= (NM_001160036.2); c.882C>A, p.Thr294= (NM_001160037.2); c.861C>A, p.Thr287= (NM_001374791.1).
Identifiers: ClinVar variation 4872807 (VCV004872807.2).

ClinVar aggregate classification (germline): Likely benign (1 of 4 stars; one submission).

Submission:

CeGaT Center for Human Genetics Tuebingen
Classification: Likely benign. Last evaluated: 2026-05-01. Review status: criteria provided, single submitter. Criteria: CeGaT Center For Human Genetics Tuebingen Variant Classification Criteria Version 2. Collection method: clinical testing. Allele origin: germline. Affected: yes. Observed: 1 variant allele.
Comment: RHOBTB2: PM2:Supporting, BP4, BP7